The following is an entry in ClinVar:

NM_000540.3(RYR1):c.14582G>C (p.Arg4861Pro)

Gene: RYR1 (ryanodine receptor 1; plus strand). Cytogenetic location: 19q13.2.
Variant type: single nucleotide variant.
Coding change: c.14582G>C on transcript NM_000540.3 (MANE Select); coding-DNA position 14582, G replaced by C.
Protein change: p.Arg4861Pro; replaces arginine 4861 with proline.
Molecular consequence: missense variant.
Genome position (GRCh38, 1-based): chr19:38,580,440, G>C. VCF-style: chr19-38580440-G-C. GRCh37 (hg19) VCF-style: chr19-39071080-G-C.
Other names: c.14567G>C, p.Arg4856Pro (NM_001042723.2); short protein forms R4856P, R4861P.
Identifiers: ClinVar variation 1066439 (VCV001066439.7), dbSNP rs63749869, ClinGen allele CA405687804.

ClinVar aggregate classification (germline): Pathogenic (1 of 4 stars; one submission).

Conditions:
RYR1-related disorder. Also called: RYR1-related condition; RYR1-related disorders. Identifiers: MedGen CN239331.

Submission:

Labcorp Genetics (formerly Invitae), Labcorp
Classification: Pathogenic for RYR1-related disorder. Last evaluated: 2025-09-14. Review status: criteria provided, single submitter. Criteria: Invitae Variant Classification Sherloc (09022015). Collection method: clinical testing. Allele origin: germline.
Comment: This sequence change replaces arginine, which is basic and polar, with proline, which is neutral and non-polar, at codon 4861 of the RYR1 protein (p.Arg4861Pro). This variant is not present in population databases (gnomAD no frequency). This missense change has been observed in individuals with clinical features of autosomal dominant RYR1-related myopathy (internal data). It has also been observed to segregate with disease in related individuals. ClinVar contains an entry for this variant (Variation ID: 1066439). Invitae Evidence Modeling of protein sequence and biophysical properties (such as structural, functional, and spatial information, amino acid conservation, physicochemical variation, residue mobility, and thermodynamic stability) has been performed for this missense variant. However, the output from this modeling did not meet the statistical confidence thresholds required to predict the impact of this variant on RYR1 protein function. This variant disrupts the p.Arg4861 amino acid residue in RYR1. Other variant(s) that disrupt this residue have been determined to be pathogenic (PMID: 11709545, 12565913, 16621918, 17483490, 23394784, 23553484, 25521991, 25960145, 26684984). This suggests that this residue is clinically significant, and that variants that disrupt this residue are likely to be disease-causing. For these reasons, this variant has been classified as Pathogenic.

Literature cited by the submitters: PubMed 11709545; PubMed 12565913; PubMed 16621918; PubMed 17483490; PubMed 23394784; PubMed 23553484; PubMed 25521991; PubMed 25960145; PubMed 26684984.